The following is an entry in ClinVar:

ClinVar aggregate classification (germline): Uncertain significance. Review status: criteria provided, multiple submitters, no conflicts (2 of 4 stars). 3 submissions from 3 submitters: Uncertain significance (3). Last evaluated 2025-06-25.

Conditions:
Hereditary cancer-predisposing syndrome. Also called: Neoplastic Syndromes, Hereditary; Tumor predisposition; Hereditary neoplastic syndrome; Hereditary Cancer Syndrome. Identifiers: Orphanet 140162, MedGen C0027672, MeSH D009386, MONDO:0015356.

Allele frequency attached by ClinVar (database versions not stated): gnomAD exomes below 0.00001.
gnomAD v4.1: 1 of 1,608,188 alleles (0.000062%); highest among the groups gnomAD compares: Non-Finnish European, 0.000085%; no homozygotes.

Submissions (3):

Labcorp Genetics (formerly Invitae), Labcorp
Classification: Uncertain significance. Last evaluated: 2025-06-25. Review status: criteria provided, single submitter. Criteria: Invitae Variant Classification Sherloc (09022015). Collection method: clinical testing. Allele origin: germline.
Comment: This sequence change replaces asparagine, which is neutral and polar, with serine, which is neutral and polar, at codon 538 of the MSH3 protein (p.Asn538Ser). This variant is not present in population databases (gnomAD no frequency). This variant has not been reported in the literature in individuals affected with MSH3-related conditions. ClinVar contains an entry for this variant (Variation ID: 1373850). An algorithm developed to predict the effect of missense changes on protein structure and function (PolyPhen-2) suggests that this variant is likely to be tolerated. In summary, the available evidence is currently insufficient to determine the role of this variant in disease. Therefore, it has been classified as a Variant of Uncertain Significance.

Quest Diagnostics Nichols Institute San Juan Capistrano
Classification: Uncertain significance. Last evaluated: 2025-05-20. Review status: criteria provided, single submitter. Criteria: Quest Diagnostics criteria. Collection method: clinical testing. Allele origin: unknown.
Comment: The MSH3 c.1613A>G (p.Asn538Ser) variant has not been reported in individuals with MSH3-related conditions in the published literature. It also has not been reported in large, multi-ethnic general populations (Genome Aggregation Database). Analysis of this variant using bioinformatics tools for the prediction of the effect of amino acid changes on protein structure and function yielded predictions that this variant is benign. Based on the available information, we are unable to determine the clinical significance of this variant.

Ambry Genetics
Classification: Uncertain significance for Hereditary cancer-predisposing syndrome. Last evaluated: 2024-12-10. Review status: criteria provided, single submitter. Criteria: Ambry Variant Classification Scheme 2023. Collection method: clinical testing. Allele origin: germline.
Comment: The p.N538S variant (also known as c.1613A>G), located in coding exon 11 of the MSH3 gene, results from an A to G substitution at nucleotide position 1613. The asparagine at codon 538 is replaced by serine, an amino acid with highly similar properties. This amino acid position is highly conserved in available vertebrate species. In addition, the in silico prediction for this alteration is inconclusive. Since supporting evidence is limited at this time, the clinical significance of this alteration remains unclear.

NM_002439.5(MSH3):c.1613A>G (p.Asn538Ser)

Gene: MSH3 (mutS homolog 3; plus strand). Cytogenetic location: 5q14.1.
Variant type: single nucleotide variant.
Coding change: c.1613A>G on transcript NM_002439.5 (MANE Select); coding-DNA position 1613, A replaced by G.
Protein change: p.Asn538Ser; replaces asparagine 538 with serine.
Molecular consequence: missense variant.
Genome position (GRCh38, 1-based): chr5:80,741,508, A>G. VCF-style: chr5-80741508-A-G. GRCh37 (hg19) VCF-style: chr5-80037327-A-G.
Other names: c.1613A>G (NM_002439.4); short protein forms N538S.
Identifiers: ClinVar variation 1373850 (VCV001373850.12), dbSNP rs2112866808, ClinGen allele CA360274516.